The following is an entry in ClinVar:

NM_152617.4(RNF168):c.655C>G (p.Gln219Glu)

Gene: RNF168 (ring finger protein 168; minus strand). Cytogenetic location: 3q29.
Variant type: single nucleotide variant.
Coding change: c.655C>G on transcript NM_152617.4 (MANE Select); coding-DNA position 655, C replaced by G.
Protein change: p.Gln219Glu; replaces glutamine 219 with glutamic acid.
Molecular consequence: missense variant.
Genome position (GRCh38, 1-based): chr3:196,483,795, G>C on the plus strand (C>G on the coding strand, the complement: RNF168 is on the minus strand). VCF-style: chr3-196483795-G-C. GRCh37 (hg19) VCF-style: chr3-196210666-G-C.
Other names: short protein forms Q219E.
Identifiers: ClinVar variation 2821028 (VCV002821028.3), dbSNP rs1732352086, ClinGen allele CA355622797.

ClinVar aggregate classification (germline): Uncertain significance (1 of 4 stars; one submission).

Submission:

Labcorp Genetics (formerly Invitae), Labcorp
Classification: Uncertain significance. Last evaluated: 2024-11-11. Review status: criteria provided, single submitter. Criteria: Invitae Variant Classification Sherloc (09022015). Collection method: clinical testing. Allele origin: germline.
Comment: This sequence change replaces glutamine, which is neutral and polar, with glutamic acid, which is acidic and polar, at codon 219 of the RNF168 protein (p.Gln219Glu). This variant is not present in population databases (gnomAD no frequency). This variant has not been reported in the literature in individuals affected with RNF168-related conditions. ClinVar contains an entry for this variant (Variation ID: 2821028). An algorithm developed to predict the effect of missense changes on protein structure and function outputs the following: PolyPhen-2: "Benign". The glutamic acid amino acid residue is found in multiple mammalian species, which suggests that this missense change does not adversely affect protein function. In summary, the available evidence is currently insufficient to determine the role of this variant in disease. Therefore, it has been classified as a Variant of Uncertain Significance.